The following is an entry in ClinVar:

NM_024642.5(GALNT12):c.857C>T (p.Thr286Met)

Gene: GALNT12 (polypeptide N-acetylgalactosaminyltransferase 12; plus strand). Cytogenetic location: 9q22.33.
Variant type: single nucleotide variant.
Coding change: c.857C>T on transcript NM_024642.5 (MANE Select); coding-DNA position 857, C replaced by T.
Protein change: p.Thr286Met; replaces threonine 286 with methionine.
Molecular consequence: missense variant.
Genome position (GRCh38, 1-based): chr9:98,831,897, C>T. VCF-style: chr9-98831897-C-T. GRCh37 (hg19) VCF-style: chr9-101594179-C-T.
Other names: short protein forms T286M.
Identifiers: ClinVar variation 822578 (VCV000822578.13), dbSNP rs548915885, ClinGen allele CA5154080.

ClinVar aggregate classification (germline): Uncertain significance. Review status: criteria provided, multiple submitters, no conflicts (2 of 4 stars). 4 submissions from 4 submitters: Uncertain significance (4). Last evaluated 2025-05-19.

Conditions:
Colorectal cancer, susceptibility to, 1. Also called: COLORECTAL ADENOMA AND CANCER, SUSCEPTIBILITY TO; COLORECTAL CANCER, SUSCEPTIBILITY TO, ON CHROMOSOME 9. Identifiers: MedGen C1837315, MONDO:0012132, OMIM 608812.

Allele frequency attached by ClinVar (database versions not stated): gnomAD 0.00001 and 0.00002; ExAC 0.00004; 1000 Genomes Project 0.00040; gnomAD exomes 0.00002; TOPMed 0.00002; 1000 Genomes Project 30x 0.00047.

Submissions (4):

Labcorp Genetics (formerly Invitae), Labcorp
Classification: Uncertain significance. Last evaluated: 2025-05-19. Review status: criteria provided, single submitter. Criteria: Invitae Variant Classification Sherloc (09022015). Collection method: clinical testing. Allele origin: germline.
Comment: This sequence change replaces threonine, which is neutral and polar, with methionine, which is neutral and non-polar, at codon 286 of the GALNT12 protein (p.Thr286Met). This variant is present in population databases (rs548915885, gnomAD 0.02%). This missense change has been observed in individual(s) with colon cancer (PMID: 29749045). ClinVar contains an entry for this variant (Variation ID: 822578). Invitae Evidence Modeling of protein sequence and biophysical properties (such as structural, functional, and spatial information, amino acid conservation, physicochemical variation, residue mobility, and thermodynamic stability) indicates that this missense variant is not expected to disrupt GALNT12 protein function with a negative predictive value of 80%. Experimental studies have shown that this missense change does not substantially affect GALNT12 function (PMID: 29749045). In summary, the available evidence is currently insufficient to determine the role of this variant in disease. Therefore, it has been classified as a Variant of Uncertain Significance.

Quest Diagnostics Nichols Institute San Juan Capistrano
Classification: Uncertain significance. Last evaluated: 2024-11-12. Review status: criteria provided, single submitter. Criteria: Quest Diagnostics criteria. Collection method: clinical testing. Allele origin: unknown.
Comment: The GALNT12 c.857C>T (p.Thr286Met) variant has been reported in the published literature in an individual with colorectal cancer. This individual also carried a pathogenic MLH1 variant (PMID: 29749045 (2018)). The frequency of this variant in the general population, 0.00018 (3/16248 chromosomes in African/African American subpopulation (Genome Aggregation Database)), is higher than would generally be expected for pathogenic variants in this gene. Analysis of this variant using bioinformatics tools for the prediction of the effect of amino acid changes on protein structure and function yielded predictions that this variant is damaging. Based on the available information, we are unable to determine the clinical significance of this variant.

Baylor Genetics
Classification: Uncertain significance for Colorectal cancer, susceptibility to, 1. Last evaluated: 2024-01-26. Review status: criteria provided, single submitter. Criteria: ACMG Guidelines, 2015. Collection method: clinical testing. Allele origin: unknown.

Ambry Genetics
Classification: Uncertain significance. Last evaluated: 2024-01-12. Review status: criteria provided, single submitter. Criteria: Ambry Variant Classification Scheme 2023. Collection method: clinical testing. Allele origin: germline.
Comment: The p.T286M variant (also known as c.857C>T), located in coding exon 4 of the GALNT12 gene, results from a C to T substitution at nucleotide position 857. The threonine at codon 286 is replaced by methionine, an amino acid with similar properties. This amino acid position is highly conserved in available vertebrate species. In addition, this alteration is predicted to be deleterious by in silico analysis. Since supporting evidence is limited at this time, the clinical significance of this alteration remains unclear.

Literature cited by the submitters: PubMed 29749045 (cited by 3 submitters).